The following is an entry in ClinVar:

NM_000944.5(PPP3CA):c.1427T>C (p.Leu476Ser)

Gene: PPP3CA (protein phosphatase 3 catalytic subunit alpha; minus strand). Cytogenetic location: 4q24.
Variant type: single nucleotide variant.
Coding change: c.1427T>C on transcript NM_000944.5 (MANE Select); coding-DNA position 1427, T replaced by C.
Protein change: p.Leu476Ser; replaces leucine 476 with serine.
Molecular consequence: missense variant.
Genome position (GRCh38, 1-based): chr4:101,026,004, A>G on the plus strand (T>C on the coding strand, the complement: PPP3CA is on the minus strand). VCF-style: chr4-101026004-A-G. GRCh37 (hg19) VCF-style: chr4-101947161-A-G.
Other names: c.1397T>C, p.Leu466Ser (NM_001130691.2); c.1271T>C, p.Leu424Ser (NM_001130692.2); short protein forms L424S, L466S, L476S.
Identifiers: ClinVar variation 1705717 (VCV001705717.1), dbSNP rs2476197453, ClinGen allele CA357947720.

ClinVar aggregate classification (germline): Uncertain significance (1 of 4 stars; one submission).

Conditions:
Arthrogryposis, cleft palate, craniosynostosis, and impaired intellectual development. Identifiers: Orphanet 565858, MedGen C4748872, MONDO:0032642, OMIM 618265.

Submission:

3billion
Classification: Uncertain significance for Arthrogryposis, cleft palate, craniosynostosis, and impaired intellectual development. Last evaluated: 2022-09-01. Review status: criteria provided, single submitter. Criteria: ACMG Guidelines, 2015. Collection method: clinical testing. Allele origin: germline. Affected: yes. Observed: 1 heterozygote.
Comment: The variant is not observed in the gnomAD v2.1.1 dataset. Missense changes are a common disease-causing mechanism. The evidence of pathogenicity is insufficient at this time. Therefore, this variant is classified as uncertain significance according to the recommendation of ACMG/AMP guideline.